The following is an entry in ClinVar:

NM_139076.3(ABRAXAS1):c.308G>A (p.Arg103His)

Gene: ABRAXAS1 (abraxas 1, BRCA1 A complex subunit; minus strand). Cytogenetic location: 4q21.23.
Variant type: single nucleotide variant.
Coding change: c.308G>A on transcript NM_139076.3 (MANE Select); coding-DNA position 308, G replaced by A.
Protein change: p.Arg103His; replaces arginine 103 with histidine.
Molecular consequence: missense variant. On other transcripts: 5 prime UTR variant (1).
Genome position (GRCh38, 1-based): chr4:83,470,371, C>T on the plus strand (G>A on the coding strand, the complement: ABRAXAS1 is on the minus strand). VCF-style: chr4-83470371-C-T. GRCh37 (hg19) VCF-style: chr4-84391524-C-T.
Other names: c.-20G>A (NM_001345962.2); short protein forms R103H.
Identifiers: ClinVar variation 645617 (VCV000645617.8), dbSNP rs200068246, ClinGen allele CA100684812.

ClinVar aggregate classification (germline): Uncertain significance (1 of 4 stars; one submission).

Allele frequency attached by ClinVar (database versions not stated): gnomAD exomes below 0.00001 and 0.00002; gnomAD 0.00001 and 0.00002; TOPMed 0.00001.
gnomAD v4.1: 29 of 1,613,044 alleles (0.0018%); highest among the groups gnomAD compares: Non-Finnish European, 0.0022%; no homozygotes.

Submission:

Labcorp Genetics (formerly Invitae), Labcorp
Classification: Uncertain significance. Last evaluated: 2023-05-05. Review status: criteria provided, single submitter. Criteria: Invitae Variant Classification Sherloc (09022015). Collection method: clinical testing. Allele origin: germline.
Comment: This sequence change replaces arginine, which is basic and polar, with histidine, which is basic and polar, at codon 103 of the ABRAXAS1 protein (p.Arg103His). This variant is present in population databases (rs200068246, gnomAD 0.002%). This missense change has been observed in individual(s) with male breast cancer (PMID: 30613976). ClinVar contains an entry for this variant (Variation ID: 645617). Advanced modeling of protein sequence and biophysical properties (such as structural, functional, and spatial information, amino acid conservation, physicochemical variation, residue mobility, and thermodynamic stability) performed at Invitae indicates that this missense variant is expected to disrupt ABRAXAS1 protein function. In summary, the available evidence is currently insufficient to determine the role of this variant in disease. Therefore, it has been classified as a Variant of Uncertain Significance.

Literature cited by the submitters: PubMed 30613976.